The following is an entry in ClinVar:

NM_001482.3(GATM):c.483G>T (p.Thr161=)

Gene: GATM (glycine amidinotransferase; minus strand). Cytogenetic location: 15q21.1.
Variant type: single nucleotide variant.
Coding change: c.483G>T on transcript NM_001482.3 (MANE Select); coding-DNA position 483, G replaced by T.
Protein change: p.Thr161=; no amino-acid change (threonine 161 retained).
Molecular consequence: synonymous variant.
Genome position (GRCh38, 1-based): chr15:45,369,327, C>A on the plus strand (G>T on the coding strand, the complement: GATM is on the minus strand). VCF-style: chr15-45369327-C-A. GRCh37 (hg19) VCF-style: chr15-45661525-C-A.
Other names: c.96G>T, p.Thr32= (NM_001321015.2).
Identifiers: ClinVar variation 1370981 (VCV001370981.8), dbSNP rs771343478, ClinGen allele CA7542931.

ClinVar aggregate classification (germline): Uncertain significance (1 of 4 stars; one submission).

Conditions:
Arginine:glycine amidinotransferase deficiency (CCDS3). Also called: L-Arginine:Glycine Amidinotransferase (AGAT) Deficiency; Cerebral creatine deficiency syndrome 3; AGAT deficiency; L-Arginine:Glycine Amidinotransferase Deficiency; Creatine deficiency syndrome due to AGAT deficiency; GATM deficiency. Identifiers: Orphanet 35704, MedGen C2675179, MONDO:0012996, OMIM 612718.

gnomAD v4.1: 12 of 1,613,108 alleles (0.00074%); highest among the groups gnomAD compares: Non-Finnish European, 0.00093%; no homozygotes.

Submission:

Labcorp Genetics (formerly Invitae), Labcorp
Classification: Uncertain significance for Arginine:glycine amidinotransferase deficiency. Last evaluated: 2025-07-20. Review status: criteria provided, single submitter. Criteria: Invitae Variant Classification Sherloc (09022015). Collection method: clinical testing. Allele origin: germline.
Comment: This sequence change affects codon 161 of the GATM mRNA. It is a 'silent' change, meaning that it does not change the encoded amino acid sequence of the GATM protein. It affects a nucleotide within the consensus splice site. This variant is present in population databases (rs771343478, gnomAD 0.002%). This variant has not been reported in the literature in individuals affected with GATM-related conditions. ClinVar contains an entry for this variant (Variation ID: 1370981). Algorithms developed to predict the effect of sequence changes on RNA splicing suggest that this variant is not likely to affect RNA splicing. In summary, the available evidence is currently insufficient to determine the role of this variant in disease. Therefore, it has been classified as a Variant of Uncertain Significance.